The following is an entry in ClinVar:

NM_005591.4(MRE11):c.1629T>A (p.Asp543Glu)

Gene: MRE11 (MRE11 double strand break repair nuclease; minus strand). Cytogenetic location: 11q21.
Variant type: single nucleotide variant.
Coding change: c.1629T>A on transcript NM_005591.4 (MANE Select); coding-DNA position 1629, T replaced by A.
Protein change: p.Asp543Glu; replaces aspartic acid 543 with glutamic acid.
Molecular consequence: missense variant.
Genome position (GRCh38, 1-based): chr11:94,447,373, A>T on the plus strand (T>A on the coding strand, the complement: MRE11 is on the minus strand). VCF-style: chr11-94447373-A-T. GRCh37 (hg19) VCF-style: chr11-94180539-A-T.
Other names: c.1629T>A, p.Asp543Glu (NM_001330347.2, NM_005590.4); short protein forms D543E.
Identifiers: ClinVar variation 1024471 (VCV001024471.8), dbSNP rs1376310486, ClinGen allele CA382368578.

ClinVar aggregate classification (germline): Uncertain significance (1 of 4 stars; one submission).

Conditions:
Ataxia-telangiectasia-like disorder (ATLD). Identifiers: MedGen C1858391, MONDO:0011457.

Submission:

Labcorp Genetics (formerly Invitae), Labcorp
Classification: Uncertain significance for Ataxia-telangiectasia-like disorder. Last evaluated: 2020-08-25. Review status: criteria provided, single submitter. Criteria: Invitae Variant Classification Sherloc (09022015). Collection method: clinical testing. Allele origin: germline.
Comment: In summary, the available evidence is currently insufficient to determine the role of this variant in disease. Therefore, it has been classified as a Variant of Uncertain Significance. Algorithms developed to predict the effect of missense changes on protein structure and function output the following: SIFT: "Tolerated"; PolyPhen-2: "Benign"; Align-GVGD: "Class C0". The glutamic acid amino acid residue is found in multiple mammalian species, suggesting that this missense change does not adversely affect protein function. These predictions have not been confirmed by published functional studies and their clinical significance is uncertain. This variant has not been reported in the literature in individuals with MRE11-related conditions. This variant is not present in population databases (ExAC no frequency). This sequence change replaces aspartic acid with glutamic acid at codon 543 of the MRE11 protein (p.Asp543Glu). The aspartic acid residue is weakly conserved and there is a small physicochemical difference between aspartic acid and glutamic acid.